The following is an entry in ClinVar:

ClinVar aggregate classification (germline): Uncertain significance (1 of 4 stars; one submission).

Conditions:
Joubert syndrome. Also called: CEREBELLOPARENCHYMAL DISORDER IV; JOUBERT-BOLTSHAUSER SYNDROME; Familial aplasia of the vermis. Identifiers: Orphanet 475, MedGen C5979921, MONDO:0018772.
Meckel-Gruber syndrome. Also called: DYSENCEPHALIA SPLANCHNOCYSTICA; GRUBER SYNDROME; Dysencephalia splachnocystica. Identifiers: Orphanet 564, MedGen C0265215, MONDO:0018921.

Submission:

Labcorp Genetics (formerly Invitae), Labcorp
Classification: Uncertain significance for Joubert syndrome; Meckel-Gruber syndrome. Last evaluated: 2022-09-24. Review status: criteria provided, single submitter. Criteria: Invitae Variant Classification Sherloc (09022015). Collection method: clinical testing. Allele origin: germline.
Comment: This variant is present in population databases (no rsID available, gnomAD 0.0009%). This variant has not been reported in the literature in individuals affected with RPGRIP1L-related conditions. Advanced modeling of protein sequence and biophysical properties (such as structural, functional, and spatial information, amino acid conservation, physicochemical variation, residue mobility, and thermodynamic stability) performed at Invitae indicates that this missense variant is not expected to disrupt RPGRIP1L protein function. In summary, the available evidence is currently insufficient to determine the role of this variant in disease. Therefore, it has been classified as a Variant of Uncertain Significance. This sequence change replaces aspartic acid, which is acidic and polar, with glycine, which is neutral and non-polar, at codon 592 of the RPGRIP1L protein (p.Asp592Gly).

NM_015272.5(RPGRIP1L):c.1775A>G (p.Asp592Gly)

Gene: RPGRIP1L (RPGRIP1 like; minus strand). Cytogenetic location: 16q12.2.
Variant type: single nucleotide variant.
Coding change: c.1775A>G on transcript NM_015272.5 (MANE Select); coding-DNA position 1775, A replaced by G.
Protein change: p.Asp592Gly; replaces aspartic acid 592 with glycine.
Molecular consequence: missense variant.
Genome position (GRCh38, 1-based): chr16:53,652,912, T>C on the plus strand (A>G on the coding strand, the complement: RPGRIP1L is on the minus strand). VCF-style: chr16-53652912-T-C. GRCh37 (hg19) VCF-style: chr16-53686824-T-C.
Other names: c.1775A>G, p.Asp592Gly (NM_001127897.4, NM_001308334.3, NM_001330538.2); short protein forms D592G.
Identifiers: ClinVar variation 1955298 (VCV001955298.5), dbSNP rs1215288619, ClinGen allele CA395917352.